The following is an entry in ClinVar:

ClinVar aggregate classification (germline): Likely benign. Review status: criteria provided, single submitter (1 of 4 stars). 2 submissions from 2 submitters: Likely benign (1). 1 of the submissions does not count toward it. Last evaluated 2024-11-25.

Conditions:
TBXAS1-related disorder. Also called: TBXAS1-related condition.

Allele frequency attached by ClinVar (database versions not stated): ESP Exome Variant Server 0.00169; 1000 Genomes Project 30x 0.00172; gnomAD 0.00199; 1000 Genomes Project 0.00200; TOPMed 0.00232.
gnomAD v4.1: 4,582 of 1,612,190 alleles (0.28%); highest among the groups gnomAD compares: Middle Eastern, 0.45%; 14 homozygotes.

Submissions (2):

Blueprint Genetics
Classification: Likely benign. Last evaluated: 2024-11-25. Review status: criteria provided, single submitter. Criteria: ACMG Guidelines, 2015. Collection method: clinical testing. Allele origin: germline.

PreventionGenetics, part of Exact Sciences
Classification: Likely benign for TBXAS1-related condition. Last evaluated: 2019-08-13. Review status: no assertion criteria provided. Collection method: clinical testing. Allele origin: germline. Not counted in ClinVar's aggregate classification.
Comment: This variant is classified as likely benign based on ACMG/AMP sequence variant interpretation guidelines (Richards et al. 2015 PMID: 25741868, with internal and published modifications).

NM_001061.7(TBXAS1):c.236+33C>T

Gene: TBXAS1 (thromboxane A synthase 1; plus strand). Cytogenetic location: 7q34.
Variant type: single nucleotide variant.
Coding change: c.236+33C>T on transcript NM_001061.7 (MANE Select); 33 bases into the intron after coding-DNA position 236, C replaced by T.
Molecular consequence: intron variant.
Genome position (GRCh38, 1-based): chr7:139,875,670, C>T. VCF-style: chr7-139875670-C-T. GRCh37 (hg19) VCF-style: chr7-139575469-C-T.
Other names: c.236+33C>T (NM_001130966.5, NM_001166253.4, NM_030984.6 and 1 more transcripts); c.35+33C>T (NM_001166254.4); c.179+4C>T (NM_001314028.4); c.150+33C>T (NM_001366537.3).
Identifiers: ClinVar variation 3044455 (VCV003044455.3), dbSNP rs144425677, ClinGen allele CA4511519.